The following is an entry in ClinVar:

ClinVar aggregate classification (germline): Uncertain significance. Review status: criteria provided, multiple submitters, no conflicts (2 of 4 stars). 4 submissions from 3 submitters: Uncertain significance (4). Last evaluated 2026-03-31.

Conditions:
Juvenile polyposis syndrome (JPS). Identifiers: Orphanet 2929, MedGen C0345893, MONDO:0017380, OMIM 174900.
Hereditary cancer-predisposing syndrome. Also called: Hereditary Cancer Syndrome; Tumor predisposition; Hereditary neoplastic syndrome; Neoplastic Syndromes, Hereditary. Identifiers: Orphanet 140162, MedGen C0027672, MeSH D009386, MONDO:0015356.
Palpitations. Identifiers: MedGen C0030252, HP:0001962.
Absent finger. Also called: Hand oligodactyly. Identifiers: MedGen C0728895.
Aplasia/Hypoplasia involving the metacarpal bones. Identifiers: MedGen C1836192, HP:0005914.
Aplasia/Hypoplasia of the phalanges of the hand. Identifiers: MedGen C1848670, HP:0009767.
Polyposis syndrome, hereditary mixed, 2. Identifiers: Orphanet 157794, MedGen C1864730, MONDO:0012405, OMIM 610069.

Submissions (4):

Ambry Genetics
Classification: Uncertain significance for Hereditary cancer-predisposing syndrome. Last evaluated: 2026-03-31. Review status: criteria provided, single submitter. Criteria: Ambry Variant Classification Scheme 2023. Collection method: clinical testing. Allele origin: germline.
Comment: The c.505_507delATC variant (also known as p.I169del) is located in coding exon 5 of the BMPR1A gene. This variant results from an in-frame ATC deletion at nucleotide positions 505 to 507. This results in the in-frame deletion of an isoleucine at codon 169. This amino acid position is well conserved in available vertebrate species.In addition, this variant is predicted to be neutral by in silico analysis (Choi Y et al. PLoS ONE. 2012; 7(10):e46688). Based on the available evidence, the clinical significance of this variant remains unclear.

Labcorp Genetics (formerly Invitae), Labcorp
Classification: Uncertain significance for Juvenile polyposis syndrome. Last evaluated: 2025-02-10. Review status: criteria provided, single submitter. Criteria: Invitae Variant Classification Sherloc (09022015). Collection method: clinical testing. Allele origin: germline.
Comment: This variant, c.505_507del, results in the deletion of 1 amino acid(s) of the BMPR1A protein (p.Ile169del), but otherwise preserves the integrity of the reading frame. This variant is not present in population databases (gnomAD no frequency). This variant has not been reported in the literature in individuals affected with BMPR1A-related conditions. This variant disrupts a region of the BMPR1A protein in which other variant(s) (p.Ile169Phe) have been observed in individuals with BMPR1A-related conditions (internal data). This suggests that this is a clinically significant region of the protein, and that variants that disrupt it are likely to be disease-causing. In summary, the available evidence is currently insufficient to determine the role of this variant in disease. Therefore, it has been classified as a Variant of Uncertain Significance.

Centre for Mendelian Genomics, University Medical Centre Ljubljana
Classification: Uncertain significance for Polyposis syndrome, hereditary mixed, 2. Last evaluated: 2016-01-01. Review status: criteria provided, single submitter. Criteria: ACMG Guidelines, 2015. Collection method: clinical testing. Allele origin: unknown. Affected: yes.
Comment: This variant was classified as: Uncertain significance.

Centre for Mendelian Genomics, University Medical Centre Ljubljana
Classification: Uncertain significance for Aplasia/Hypoplasia involving the metacarpal bones; Aplasia/Hypoplasia of the phalanges of the hand; Finger aplasia; Palpitations. Last evaluated: 2014-07-31. Review status: criteria provided, single submitter. Criteria: ACMG Guidelines, 2015. Collection method: clinical testing. Allele origin: unknown. Affected: yes.

NM_004329.3(BMPR1A):c.502ATC[1] (p.Ile169del)

Gene: BMPR1A (bone morphogenetic protein receptor type 1A; plus strand). Cytogenetic location: 10q23.2.
Variant type: Microsatellite.
Coding change: c.502ATC[1] on transcript NM_004329.3 (MANE Select); one copy of the 3-base unit ATC starting at c.502; the reference has two copies in a row; one copy, 3 bases deleted.
Protein change: p.Ile169del; deletes isoleucine 169.
Molecular consequence: inframe deletion.
Genome position (GRCh38, 1-based): chr10:86,900,101-86,900,103, ATC deleted; deleting any 3 consecutive bases within chr10:86,900,098-86,900,103 gives the same sequence; the position shown is the placement nearest the transcript's 3' end. VCF-style (leftmost placement, unchanged base first): chr10-86900097-GATC-G. GRCh37 (hg19) VCF-style: chr10-88659854-GATC-G.
Other names: c.502_504delATC (NM_004329.2); c.505_507delATC (NM_004329.2); short protein forms I169del.
Identifiers: ClinVar variation 374165 (VCV000374165.7), dbSNP rs1057518941, ClinGen allele CA16043451.